The following is an entry in ClinVar:

NM_000057.4(BLM):c.1083_1084del (p.Cys361_Asp362delinsTer)

Gene: BLM (BLM RecQ like helicase; plus strand). Cytogenetic location: 15q26.1.
Variant type: Microsatellite.
Coding change: c.1083_1084del on transcript NM_000057.4 (MANE Select); coding-DNA positions 1083 to 1084, 2 bases deleted (TG; older notation c.1083_1084delTG).
Protein change: p.Cys361_Asp362delinsTer.
Molecular consequence: nonsense. On other transcripts: 5 prime UTR variant (1).
Genome position (GRCh38, 1-based): chr15:90,754,934-90,754,935, TG deleted; deleting any 2 consecutive bases within chr15:90,754,932-90,754,935 gives the same sequence; the c. name uses the placement nearest the transcript's 3' end. VCF-style (leftmost placement, unchanged base first): chr15-90754931-CTG-C. GRCh37 (hg19) VCF-style: chr15-91298161-CTG-C.
Other names: c.1083_1084del, p.Cys361_Asp362delinsTer (NM_001287246.2, NM_001287247.2); c.-211TG[1] (NM_001287248.2); c.1083_1084delTG (NM_000057.4).
Identifiers: ClinVar variation 371130 (VCV000371130.18), dbSNP rs1057517030, ClinGen allele CA16041768.
Genomic context (GRCh38, chr15:90,754,931, plus strand): 5'-TCTTTTGTCAAAACCTGAGAAAATGAGTATGCAGGAGCTGAATCCAGAAACCAGCACAGA[CTG>C]TGACGGTACAAGCAATATTTTAGACATACCATGTATTTCAACTACTTACTTTTGAAAACA-3'

ClinVar aggregate classification (germline): Pathogenic. Review status: criteria provided, multiple submitters, no conflicts (2 of 4 stars). 5 submissions from 5 submitters: Pathogenic (4). 1 of the submissions does not count toward it. Last evaluated 2025-11-19.

Conditions:
Hereditary cancer-predisposing syndrome. Also called: Tumor predisposition; Hereditary neoplastic syndrome; Neoplastic Syndromes, Hereditary; Hereditary Cancer Syndrome. Identifiers: Orphanet 140162, MedGen C0027672, MeSH D009386, MONDO:0015356.
Bloom syndrome (BLM). Also called: Bloom-Torre-Machacek syndrome. Identifiers: Orphanet 125, MedGen C0005859, MONDO:0008876, OMIM 210900.

Submissions (5):

Myriad Genetics, Inc.
Classification: Pathogenic for Bloom syndrome. Last evaluated: 2025-11-19. Review status: criteria provided, single submitter. Criteria: Myriad Autosomal Dominant, Autosomal Recessive and X-Linked Classification Criteria (2023). Collection method: clinical testing. Allele origin: unknown.
Comment: This variant is considered pathogenic. This variant creates a termination codon and is predicted to result in premature protein truncation.

Women's Health and Genetics/Laboratory Corporation of America, LabCorp
Classification: Pathogenic for Bloom syndrome. Last evaluated: 2024-09-10. Review status: criteria provided, single submitter. Criteria: LabCorp Variant Classification Summary - May 2015. Collection method: clinical testing. Allele origin: germline.
Comment: Variant summary: BLM c.1083_1084delTG (p.Cys361X) results in a premature termination codon, predicted to cause a truncation of the encoded protein or absence of the protein due to nonsense mediated decay, which are commonly known mechanisms for disease. The variant allele was found at a frequency of 4e-06 in 250536 control chromosomes. c.1083_1084delTG has been reported in the literature in one individual affected with familial CRC. To our knowledge, no experimental evidence demonstrating an impact on protein function has been reported. The following publications have been ascertained in the context of this evaluation (PMID: 32449991, 27356891). ClinVar contains an entry for this variant (Variation ID: 371130). Based on the evidence outlined above, the variant was classified as pathogenic.

Labcorp Genetics (formerly Invitae), Labcorp
Classification: Pathogenic for Bloom syndrome. Last evaluated: 2024-07-30. Review status: criteria provided, single submitter. Criteria: Invitae Variant Classification Sherloc (09022015). Collection method: clinical testing. Allele origin: germline.
Comment: This sequence change creates a premature translational stop signal (p.Cys361*) in the BLM gene. It is expected to result in an absent or disrupted protein product. Loss-of-function variants in BLM are known to be pathogenic (PMID: 17407155). This variant is present in population databases (no rsID available, gnomAD 0.0009%). This premature translational stop signal has been observed in individual(s) with colorectal cancer (PMID: 27356891). This variant is also known as c.1081_1082delTG. ClinVar contains an entry for this variant (Variation ID: 371130). For these reasons, this variant has been classified as Pathogenic.

Ambry Genetics
Classification: Pathogenic for Hereditary cancer-predisposing syndrome. Last evaluated: 2019-07-17. Review status: criteria provided, single submitter. Criteria: Ambry Variant Classification Scheme 2023. Collection method: clinical testing. Allele origin: germline.
Comment: The c.1083_1084delTG variant, located in coding exon 4 of the BLM gene, results from a deletion of two nucleotides at nucleotide positions 1083 to 1084, causing a translational frameshift with a predicted alternate stop codon (p.C361*). This variant was identified in 1/857 unrelated cases of undefined familial colorectal cancer that were negative for a mutation in a known cancer susceptibility gene for colorectal cancer (CRC) (Dobbins SE et al. Fam. Cancer, 2016 10;15:593-9). This variant was also identified in 1/1006 familial early onset colorectal cancer patients as part of a case-control enrichment analysis that was performed using a publicly available independent cohort of 1006 patients of familial early-onset CRC (CanVar) and the Exome Aggregation Consortium (ExAC) database (D&iacute;az-Gay M et al. Cancers (Basel), 2019 11;3:362). Of note, this alteration is also designated as c.1081_1082delTG in the published literature. In addition to the clinical data presented in the literature, this alteration is expected to result in loss of function by premature protein truncation or nonsense-mediated mRNA decay. As such, this alteration is interpreted as a disease-causing mutation.

Counsyl
Classification: Likely pathogenic for Bloom syndrome. Last evaluated: 2016-07-06. Review status: no assertion criteria provided. Collection method: clinical testing. Allele origin: unknown. Not counted in ClinVar's aggregate classification.

Literature cited by the submitters: PubMed 27356891 (cited by 4 submitters); PubMed 32449991 (cited by Women's Health and Genetics/Laboratory Corporation of America, LabCorp); PubMed 17407155 (cited by Labcorp Genetics (formerly Invitae), Labcorp); PubMed 30871259 (cited by Ambry Genetics).